The following is an entry in ClinVar:

ClinVar aggregate classification (germline): Uncertain significance (1 of 4 stars; one submission).

Conditions:
SEMA3A-related disorder. Also called: SEMA3A-related condition.

Submission:

PreventionGenetics, part of Exact Sciences
Classification: Uncertain significance for SEMA3A-related condition. Last evaluated: 2026-06-20. Review status: criteria provided, single submitter. Criteria: ACMG Guidelines, 2015. Collection method: clinical testing. Allele origin: germline.
Comment: The SEMA3A c.443A>G variant is predicted to result in the amino acid substitution p.His148Arg. To our knowledge, this variant has not been reported in the literature or in a large population database (gnomAD), indicating this variant is rare. At this time, the clinical significance of this variant is uncertain due to the absence of conclusive functional and genetic evidence.

NM_006080.3(SEMA3A):c.443A>G (p.His148Arg)

Gene: SEMA3A (semaphorin 3A; minus strand). Cytogenetic location: 7q21.11.
Variant type: single nucleotide variant.
Coding change: c.443A>G on transcript NM_006080.3 (MANE Select); coding-DNA position 443, A replaced by G.
Protein change: p.His148Arg; replaces histidine 148 with arginine.
Molecular consequence: missense variant.
Genome position (GRCh38, 1-based): chr7:84,110,480, T>C on the plus strand (A>G on the coding strand, the complement: SEMA3A is on the minus strand). VCF-style: chr7-84110480-T-C. GRCh37 (hg19) VCF-style: chr7-83739796-T-C.
Other names: short protein forms H148R.
Identifiers: ClinVar variation 4997928 (VCV004997928.1).